The following is an entry in ClinVar:

ClinVar aggregate classification (germline): Likely benign. Review status: criteria provided, multiple submitters, no conflicts (2 of 4 stars). 2 submissions from 2 submitters: Likely benign (2). Last evaluated 2024-08-08.

Conditions:
Hereditary cancer-predisposing syndrome. Also called: Neoplastic Syndromes, Hereditary; Hereditary Cancer Syndrome; Tumor predisposition; Hereditary neoplastic syndrome. Identifiers: Orphanet 140162, MedGen C0027672, MeSH D009386, MONDO:0015356.
Familial adenomatous polyposis 2. Also called: COLORECTAL ADENOMATOUS POLYPOSIS, AUTOSOMAL RECESSIVE; ADENOMAS, MULTIPLE COLORECTAL, AUTOSOMAL RECESSIVE; MUTYH-associated polyposis; MUTYH-related attenuated familial adenomatous polyposis; MUTYH Polyposis; Adenomas, multiple colorectal. Identifiers: Orphanet 220460, Orphanet 247798, MedGen C3272841, MONDO:0012041, OMIM 608456.

Submissions (2):

All of Us Research Program, National Institutes of Health
Classification: Likely benign for Familial adenomatous polyposis 2. Last evaluated: 2024-08-08. Review status: criteria provided, single submitter. Criteria: ACMG Guidelines, 2015. Collection method: clinical testing. Allele origin: germline. Inheritance: Autosomal recessive inheritance. Observed: 1 variant allele, 1 heterozygote.
Comment: This study involves interpretation of variants in research participants for the purpose of population health screening. Participant phenotype was not available at the time of variant classification. Additional details can be found in publication PMID: 35346344, PMCID: PMC8962531

Color Diagnostics, LLC DBA Color Health
Classification: Likely benign for Hereditary cancer-predisposing syndrome. Last evaluated: 2017-11-22. Review status: criteria provided, single submitter. Criteria: ACMG Guidelines, 2015. Collection method: clinical testing. Allele origin: germline.

NM_001048174.2(MUTYH):c.1383C>G (p.Ala461=)

Gene: MUTYH (mutY DNA glycosylase; minus strand). Cytogenetic location: 1p34.1.
Variant type: single nucleotide variant.
Coding change: c.1383C>G on transcript NM_001048174.2 (MANE Select); coding-DNA position 1383, C replaced by G.
Protein change: p.Ala461=; no amino-acid change (alanine 461 retained).
Molecular consequence: synonymous variant. On other transcripts: non-coding transcript variant (2).
Genome position (GRCh38, 1-based): chr1:45,331,191, G>C on the plus strand (C>G on the coding strand, the complement: MUTYH is on the minus strand). VCF-style: chr1-45331191-G-C. GRCh37 (hg19) VCF-style: chr1-45796863-G-C.
Other names: c.1383C>G, p.Ala461= (NM_001048171.2, NM_001048173.2, NM_001293195.2); c.1386C>G, p.Ala462= (NM_001048172.2); c.1467C>G, p.Ala489= (NM_001128425.2); c.1428C>G, p.Ala476= (NM_001293190.2); c.1416C>G, p.Ala472= (NM_001293191.2); c.1107C>G, p.Ala369= (NM_001293192.2, NM_001293196.2); c.1038C>G, p.Ala346= (NM_001350650.2, NM_001350651.2); c.1458C>G, p.Ala486= (NM_012222.3).
Identifiers: ClinVar variation 630857 (VCV000630857.3), dbSNP rs1557455416, ClinGen allele CA417702039.